The following is an entry in ClinVar:

NM_001127222.2(CACNA1A):c.1913+1G>A

Gene: CACNA1A (calcium voltage-gated channel subunit alpha1 A; minus strand). Cytogenetic location: 19p13.13.
Variant type: single nucleotide variant.
Coding change: c.1913+1G>A on transcript NM_001127222.2 (MANE Select); the canonical splice donor site of the intron after coding-DNA position 1913, G replaced by A.
Molecular consequence: splice donor variant.
Genome position (GRCh38, 1-based): chr19:13,308,119, C>T on the plus strand (G>A on the coding strand, the complement: CACNA1A is on the minus strand). VCF-style: chr19-13308119-C-T. GRCh37 (hg19) VCF-style: chr19-13418933-C-T.
Other names: c.1916+1G>A (NM_001127221.2, NM_001174080.2, NM_000068.4 and 1 more transcripts).
Identifiers: ClinVar variation 2135240 (VCV002135240.4), dbSNP rs2512947666, ClinGen allele CA404344709.

ClinVar aggregate classification (germline): Likely pathogenic (1 of 4 stars; one submission).

Conditions:
Episodic ataxia type 2 (EA2). Also called: ACETAZOLAMIDE-RESPONSIVE HEREDITARY PAROXYSMAL CEREBELLAR ATAXIA; ATAXIA, EPISODIC, WITH NYSTAGMUS; ATAXIA, FAMILIAL PAROXYSMAL; CEREBELLAR ATAXIA, PAROXYSMAL, ACETAZOLAMIDE-RESPONSIVE; CEREBELLOPATHY, HEREDITARY PAROXYSMAL; EPISODIC ATAXIA, NYSTAGMUS-ASSOCIATED. Identifiers: Orphanet 97, MedGen C1720416, MONDO:0007163, OMIM 108500.
Developmental and epileptic encephalopathy, 42 (DEE42A). Also called: EPILEPTIC ENCEPHALOPATHY, EARLY INFANTILE, 42A; DEVELOPMENTAL AND EPILEPTIC ENCEPHALOPATHY 42A; Epileptic encephalopathy, early infantile, 42. Identifiers: MedGen C4310716, MONDO:0014917, OMIM 617106.

Submission:

Labcorp Genetics (formerly Invitae), Labcorp
Classification: Likely pathogenic for Developmental and epileptic encephalopathy, 42; Episodic ataxia type 2. Last evaluated: 2022-05-07. Review status: criteria provided, single submitter. Criteria: Invitae Variant Classification Sherloc (09022015). Collection method: clinical testing. Allele origin: germline.
Comment: This variant is not present in population databases (gnomAD no frequency). This sequence change affects a donor splice site in intron 14 of the CACNA1A gene. It is expected to disrupt RNA splicing. Variants that disrupt the donor or acceptor splice site typically lead to a loss of protein function (PMID: 16199547), and loss-of-function variants in CACNA1A are known to be pathogenic (PMID: 10371528, 19486177, 25735478, 27250579). This variant has not been reported in the literature in individuals affected with CACNA1A-related conditions. In summary, the currently available evidence indicates that the variant is pathogenic, but additional data are needed to prove that conclusively. Therefore, this variant has been classified as Likely Pathogenic. Algorithms developed to predict the effect of sequence changes on RNA splicing suggest that this variant may disrupt the consensus splice site.

Literature cited by the submitters: PubMed 16199547; PubMed 10371528; PubMed 19486177; PubMed 25735478; PubMed 27250579.